The following is an entry in ClinVar:

ClinVar aggregate classification (germline): Uncertain significance. Review status: criteria provided, multiple submitters, no conflicts (2 of 4 stars). 3 submissions from 3 submitters: Uncertain significance (3). Last evaluated 2026-01-12.

Conditions:
Mitochondrial complex I deficiency, nuclear type 22. Also called: Mitochondrial complex 1 deficiency, nuclear type 22. Identifiers: MedGen C4748796, MONDO:0032626, OMIM 618243.
Inborn genetic diseases. Identifiers: MedGen C0950123, MeSH D030342.

Allele frequency attached by ClinVar (database versions not stated): ExAC 0.00005.
gnomAD v4.1: 123 of 1,612,072 alleles (0.0076%); highest among the groups gnomAD compares: Middle Eastern, 0.016%; 1 homozygote.

Submissions (3):

Labcorp Genetics (formerly Invitae), Labcorp
Classification: Uncertain significance. Last evaluated: 2026-01-12. Review status: criteria provided, single submitter. Criteria: Invitae Variant Classification Sherloc (09022015). Collection method: clinical testing. Allele origin: germline.
Comment: This sequence change replaces arginine, which is basic and polar, with cysteine, which is neutral and slightly polar, at codon 326 of the NDUFA10 protein (p.Arg326Cys). This variant is present in population databases (rs762245412, gnomAD 0.01%). This variant has not been reported in the literature in individuals affected with NDUFA10-related conditions. ClinVar contains an entry for this variant (Variation ID: 1400345). Invitae Evidence Modeling of protein sequence and biophysical properties (such as structural, functional, and spatial information, amino acid conservation, physicochemical variation, residue mobility, and thermodynamic stability) has been performed for this missense variant. However, the output from this modeling did not meet the statistical confidence thresholds required to predict the impact of this variant on NDUFA10 protein function. In summary, the available evidence is currently insufficient to determine the role of this variant in disease. Therefore, it has been classified as a Variant of Uncertain Significance.

Ambry Genetics
Classification: Uncertain significance for Inborn genetic diseases. Last evaluated: 2023-12-18. Review status: criteria provided, single submitter. Criteria: Ambry Variant Classification Scheme 2023. Collection method: clinical testing. Allele origin: germline.

Baylor Genetics
Classification: Uncertain significance for Mitochondrial complex I deficiency, nuclear type 22. Last evaluated: 2022-03-24. Review status: criteria provided, single submitter. Criteria: ACMG Guidelines, 2015. Collection method: clinical testing. Allele origin: unknown.

NM_004544.4(NDUFA10):c.976C>T (p.Arg326Cys)

Gene: NDUFA10 (NADH:ubiquinone oxidoreductase subunit A10; minus strand). Cytogenetic location: 2q37.3.
Variant type: single nucleotide variant.
Coding change: c.976C>T on transcript NM_004544.4 (MANE Select); coding-DNA position 976, C replaced by T.
Protein change: p.Arg326Cys; replaces arginine 326 with cysteine.
Molecular consequence: missense variant. On other transcripts: non-coding transcript variant (2), intron variant (1).
Genome position (GRCh38, 1-based): chr2:239,990,097, G>A on the plus strand (C>T on the coding strand, the complement: NDUFA10 is on the minus strand). VCF-style: chr2-239990097-G-A. GRCh37 (hg19) VCF-style: chr2-240929514-G-A.
Other names: c.976C>T, p.Arg326Cys (NM_001322019.2); c.890+15113C>T (NM_001322020.2); c.976C>T (NM_004544.3); short protein forms R326C.
Identifiers: ClinVar variation 1400345 (VCV001400345.7), dbSNP rs762245412, ClinGen allele CA2200792.
Genomic context (GRCh38, chr2:239,990,097, plus strand): 5'-ATCCACTGGCCAGCTTTCTCCATTTCCACAGTCTTACCTCTCTGAACTGATGTAAGACAC[G>A]GTCAGTCTGATGAGCTCCAATGGTGACTTCCGGGAGAAAGATAGGAATGCTTGTGTAATT-3'
Protein context (NP_004535.1, residues 316-336): EVTIGAHQTD[Arg326Cys]VLHQFRELPG